The following is an entry in ClinVar:

NM_000179.3(MSH6):c.311C>T (p.Pro104Leu)

Gene: MSH6 (mutS homolog 6; plus strand). Cytogenetic location: 2p16.3.
Variant type: single nucleotide variant.
Coding change: c.311C>T on transcript NM_000179.3 (MANE Select); coding-DNA position 311, C replaced by T.
Protein change: p.Pro104Leu; replaces proline 104 with leucine.
Molecular consequence: missense variant. On other transcripts: 5 prime UTR variant (2), intron variant (1).
Genome position (GRCh38, 1-based): chr2:47,790,977, C>T. VCF-style: chr2-47790977-C-T. GRCh37 (hg19) VCF-style: chr2-48018116-C-T.
Other names: c.-426C>T (NM_001281493.2); c.-592C>T (NM_001281494.2); c.237+7507C>T (NM_001281492.2); short protein forms P104L.
Identifiers: ClinVar variation 1422384 (VCV001422384.11), dbSNP rs1572708628, ClinGen allele CA346736827.

ClinVar aggregate classification (germline): Uncertain significance. Review status: criteria provided, multiple submitters, no conflicts (2 of 4 stars). 3 submissions from 3 submitters: Uncertain significance (3). Last evaluated 2022-09-15.

Conditions:
Hereditary cancer-predisposing syndrome. Also called: Neoplastic Syndromes, Hereditary; Hereditary Cancer Syndrome; Hereditary neoplastic syndrome; Tumor predisposition. Identifiers: Orphanet 140162, MedGen C0027672, MeSH D009386, MONDO:0015356.
Hereditary nonpolyposis colorectal neoplasms. Identifiers: MedGen C0009405, MeSH D003123.

Allele frequency attached by ClinVar (database versions not stated): gnomAD exomes below 0.00001.
gnomAD v4.1: 1 of 1,614,182 alleles (0.000062%); highest among the groups gnomAD compares: Admixed American, 0.0017%; no homozygotes.

Submissions (3):

Quest Diagnostics Nichols Institute San Juan Capistrano
Classification: Uncertain significance. Last evaluated: 2022-09-15. Review status: criteria provided, single submitter. Criteria: Quest Diagnostics criteria. Collection method: clinical testing. Allele origin: unknown.
Comment: The variant has not been reported in the published literature. It also has not been reported in large, multi-ethnic general populations. Analysis of this variant using bioinformatics tools for the prediction of the effect of amino acid changes on protein structure and function yielded predictions that this variant is damaging. Based on the available information, we are unable to determine the clinical significance of this variant.

Labcorp Genetics (formerly Invitae), Labcorp
Classification: Uncertain significance for Hereditary nonpolyposis colorectal neoplasms. Last evaluated: 2021-08-02. Review status: criteria provided, single submitter. Criteria: Invitae Variant Classification Sherloc (09022015). Collection method: clinical testing. Allele origin: germline.
Comment: In summary, the available evidence is currently insufficient to determine the role of this variant in disease. Therefore, it has been classified as a Variant of Uncertain Significance. Advanced modeling of protein sequence and biophysical properties (such as structural, functional, and spatial information, amino acid conservation, physicochemical variation, residue mobility, and thermodynamic stability) performed at Invitae indicates that this missense variant is expected to disrupt MSH6 protein function. This variant has not been reported in the literature in individuals affected with MSH6-related conditions. This variant is not present in population databases (ExAC no frequency). This sequence change replaces proline with leucine at codon 104 of the MSH6 protein (p.Pro104Leu). The proline residue is highly conserved and there is a moderate physicochemical difference between proline and leucine.

Ambry Genetics
Classification: Uncertain significance for Hereditary cancer-predisposing syndrome. Last evaluated: 2018-10-18. Review status: criteria provided, single submitter. Criteria: Ambry Variant Classification Scheme 2023. Collection method: clinical testing. Allele origin: germline.
Comment: The p.P104L variant (also known as c.311C>T), located in coding exon 2 of the MSH6 gene, results from a C to T substitution at nucleotide position 311. The proline at codon 104 is replaced by leucine, an amino acid with similar properties. This amino acid position is highly conserved in available vertebrate species. In addition, this alteration is predicted to be deleterious by in silico analysis. In addition, the CoDP in silico tool predicts this alteration to have minor impact on molecular function, with a score of 0.005 (Terui H et al. J. Biomed. Sci. 2013 Apr;20:25). Since supporting evidence is limited at this time, the clinical significance of this alteration remains unclear.